The following is an entry in ClinVar:

NM_014000.3(VCL):c.732A>G (p.Ile244Met)

Gene: VCL (vinculin; plus strand). Cytogenetic location: 10q22.2.
Variant type: single nucleotide variant.
Coding change: c.732A>G on transcript NM_014000.3 (MANE Select); coding-DNA position 732, A replaced by G.
Protein change: p.Ile244Met; replaces isoleucine 244 with methionine.
Molecular consequence: missense variant.
Genome position (GRCh38, 1-based): chr10:74,074,852, A>G. VCF-style: chr10-74074852-A-G. GRCh37 (hg19) VCF-style: chr10-75834610-A-G.
Other names: c.732A>G, p.Ile244Met (NM_003373.4); short protein forms I244M.
Identifiers: ClinVar variation 2451023 (VCV002451023.2), dbSNP rs2549214830, ClinGen allele CA377268452.

ClinVar aggregate classification (germline): Uncertain significance (1 of 4 stars; one submission).

Conditions:
Cardiovascular phenotype. Identifiers: MedGen CN230736.

Submission:

Ambry Genetics
Classification: Uncertain significance for Cardiovascular phenotype. Last evaluated: 2023-01-01. Review status: criteria provided, single submitter. Criteria: Ambry Variant Classification Scheme 2023. Collection method: clinical testing. Allele origin: germline.
Comment: The p.I244M variant (also known as c.732A>G), located in coding exon 6 of the VCL gene, results from an A to G substitution at nucleotide position 732. The isoleucine at codon 244 is replaced by methionine, an amino acid with highly similar properties. This amino acid position is conserved. In addition, the in silico prediction for this alteration is inconclusive. Since supporting evidence is limited at this time, the clinical significance of this alteration remains unclear.